The following is an entry in ClinVar:

NM_001077350.3(NPRL3):c.377del (p.Val126fs)

Genes: HBA-LCR (alpha-globin locus control region; plus strand), NPRL3 (NPR3 like, GATOR1 complex subunit; minus strand). Cytogenetic location: 16p13.3.
Variant type: Deletion.
Coding change: c.377del on transcript NM_001077350.3 (MANE Select); coding-DNA position 377, one base deleted (T; older notation c.377delT).
Protein change: p.Val126fs; shifts the reading frame from valine 126.
Molecular consequence: frameshift variant. On other transcripts: intron variant (3).
Genome position (GRCh38, 1-based): chr16:117,317, A deleted on the plus strand (T on the coding strand, the reverse complement: NPRL3 is on the minus strand). VCF-style (leftmost placement, unchanged base first): chr16-117316-CA-C. GRCh37 (hg19) VCF-style: chr16-167315-CA-C.
Other names: c.143del, p.Val48fs (NM_001243247.2); c.318+1809del (NM_001243248.2, NM_001243249.2); c.-144-4542del (NM_001039476.3); c.377del (NM_001077350.2); short protein forms V126fs, V48fs.
Identifiers: ClinVar variation 817393 (VCV000817393.9), dbSNP rs1596526915, ClinGen allele CA915946185.

ClinVar aggregate classification (germline): Pathogenic/Likely pathogenic. Review status: criteria provided, multiple submitters, no conflicts (2 of 4 stars). 3 submissions from 3 submitters: Pathogenic (1); Likely pathogenic (2). Last evaluated 2025-03-30.

Conditions:
NPRL3-related disorder. Also called: NPRL3-related condition.
Epilepsy, familial focal, with variable foci 3 (FFEVF3). Identifiers: MedGen C4310708, MONDO:0014925, OMIM 617118.

Submissions (3):

Labcorp Genetics (formerly Invitae), Labcorp
Classification: Pathogenic for Epilepsy, familial focal, with variable foci 3. Last evaluated: 2025-03-30. Review status: criteria provided, single submitter. Criteria: Invitae Variant Classification Sherloc (09022015). Collection method: clinical testing. Allele origin: germline.
Comment: This sequence change creates a premature translational stop signal (p.Val126Glyfs*5) in the NPRL3 gene. It is expected to result in an absent or disrupted protein product. Loss-of-function variants in NPRL3 are known to be pathogenic (PMID: 26285051, 26505888). This variant is not present in population databases (gnomAD no frequency). This variant has not been reported in the literature in individuals affected with NPRL3-related conditions. ClinVar contains an entry for this variant (Variation ID: 817393). For these reasons, this variant has been classified as Pathogenic.

Blueprint Genetics
Classification: Likely pathogenic for NPRL3-related disorders. Last evaluated: 2023-10-23. Review status: criteria provided, single submitter. Criteria: ACMG Guidelines, 2015. Collection method: clinical testing. Allele origin: germline. Affected: yes. Observed: 1 variant allele.

GeneDx
Classification: Likely pathogenic. Last evaluated: 2019-01-08. Review status: criteria provided, single submitter. Criteria: GeneDx Variant Classification (06012015). Collection method: clinical testing. Allele origin: germline. Affected: yes.
Comment: A variant that is likely pathogenic has been identified in the NPRL3 gene. The c.377delT variant has not been published as a pathogenic variant, nor has it been reported as a benign variant to our knowledge. The c.377delT variant in the NPRL3 gene causes a frameshift starting with codon Valine 126, changes this amino acid to a Glycine residue and creates a premature Stop codon at position 5 of the new reading frame, denoted p.Val126GlyfsX5. This frameshift variant is predicted to cause loss of normal protein function either through protein truncation or nonsense-mediated mRNA decay. The c.377delT variant is not observed in large population cohorts (Lek et al., 2016). Therefore, this variant is likely pathogenic; however, the possibility that it is benign cannot be excluded.

Literature cited by the submitters: PubMed 26285051 (cited by Labcorp Genetics (formerly Invitae), Labcorp); PubMed 26505888 (cited by Labcorp Genetics (formerly Invitae), Labcorp).